The following is an entry in ClinVar:

ClinVar aggregate classification (germline): Uncertain significance (1 of 4 stars; one submission).

Allele frequency attached by ClinVar (database versions not stated): gnomAD 0.00001.
gnomAD v4.1: 3 of 1,261,828 alleles (0.00024%); highest among the groups gnomAD compares: African/African-American, 0.0031%; no homozygotes.

Submission:

Labcorp Genetics (formerly Invitae), Labcorp
Classification: Uncertain significance. Last evaluated: 2023-07-08. Review status: criteria provided, single submitter. Criteria: Invitae Variant Classification Sherloc (09022015). Collection method: clinical testing. Allele origin: germline.
Comment: In summary, the available evidence is currently insufficient to determine the role of this variant in disease. Therefore, it has been classified as a Variant of Uncertain Significance. Algorithms developed to predict the effect of missense changes on protein structure and function output the following: SIFT: "Not Available"; PolyPhen-2: "Benign"; Align-GVGD: "Not Available". The valine amino acid residue is found in multiple mammalian species, which suggests that this missense change does not adversely affect protein function. This variant has not been reported in the literature in individuals affected with GSN-related conditions. This variant is present in population databases (no rsID available, gnomAD 0.007%). This sequence change replaces alanine, which is neutral and non-polar, with valine, which is neutral and non-polar, at codon 20 of the GSN protein (p.Ala20Val).

NM_198252.3(GSN):c.-9-2043C>T

Gene: GSN (gelsolin; plus strand). Cytogenetic location: 9q33.2.
Variant type: single nucleotide variant.
Coding change: c.-9-2043C>T on transcript NM_198252.3 (MANE Select); 2043 bases into the intron before 9 bases upstream of the start codon, C replaced by T.
Molecular consequence: intron variant. On other transcripts: missense variant (1).
Genome position (GRCh38, 1-based): chr9:121,299,920, C>T. VCF-style: chr9-121299920-C-T. GRCh37 (hg19) VCF-style: chr9-124062198-C-T.
Other names: c.-1-2051C>T (NM_001353057.2, NM_001353058.2, NM_001353059.2 and 1 more transcripts); c.-458-2991C>T (NM_001353078.2); c.-47-136C>T (NM_001353067.2, NM_001353075.1, NM_001353077.1 and 8 more transcripts); c.-38-145C>T (NM_001353063.2, NM_001353073.2, NM_001353065.2 and 2 more transcripts); c.-9-2043C>T (NM_001127662.2, NM_001353062.1, NM_001353054.1 and 5 more transcripts); c.43-2043C>T (NM_001258029.2); c.16-2043C>T (NM_001258030.2); c.100-2043C>T (NM_001127663.2); and 3 more; short protein forms A20V.
Identifiers: ClinVar variation 3010018 (VCV003010018.3), dbSNP rs1202263036, ClinGen allele CA374751733.